The following is an entry in ClinVar:

ClinVar aggregate classification (germline): Uncertain significance (1 of 4 stars; one submission).

Conditions:
Cardiovascular phenotype. Identifiers: MedGen CN230736.

gnomAD v4.1: 4 of 1,613,894 alleles (0.00025%); highest among the groups gnomAD compares: Non-Finnish European, 0.00017%; no homozygotes.

Submission:

Ambry Genetics
Classification: Uncertain significance for Cardiovascular phenotype. Last evaluated: 2026-07-06. Review status: criteria provided, single submitter. Criteria: Ambry Variant Classification Scheme 2023. Collection method: clinical testing. Allele origin: germline.
Comment: The p.I631L variant (also known as c.1891A>C), located in coding exon 15 of the MYH7 gene, results from an A to C substitution at nucleotide position 1891. The isoleucine at codon 631 is replaced by leucine, an amino acid with highly similar properties. This amino acid position is conserved. In addition, this alteration is predicted to be tolerated by in silico analysis. Based on the available evidence, the clinical significance of this variant remains unclear.

NM_000257.4(MYH7):c.1891A>C (p.Ile631Leu)

Gene: MYH7 (myosin heavy chain 7; minus strand). Cytogenetic location: 14q11.2.
Variant type: single nucleotide variant.
Coding change: c.1891A>C on transcript NM_000257.4 (MANE Select); coding-DNA position 1891, A replaced by C.
Protein change: p.Ile631Leu; replaces isoleucine 631 with leucine.
Molecular consequence: missense variant.
Genome position (GRCh38, 1-based): chr14:23,427,305, T>G on the plus strand (A>C on the coding strand, the complement: MYH7 is on the minus strand). VCF-style: chr14-23427305-T-G. GRCh37 (hg19) VCF-style: chr14-23896514-T-G.
Other names: c.1891A>C, p.Ile631Leu (NM_001407004.1); short protein forms I631L.
Identifiers: ClinVar variation 5025161 (VCV005025161.1).